The following is an entry in ClinVar:

ClinVar aggregate classification (germline): Benign (1 of 4 stars; one submission).

Allele frequency attached by ClinVar (database versions not stated): TOPMed 0.67632; 1000 Genomes Project 0.67732; 1000 Genomes Project 30x 0.68301.
gnomAD v4.1: 100,663 of 151,956 alleles (66%); highest among the groups gnomAD compares: African/African-American, 81%; 34,245 homozygotes.

Submission:

GeneDx
Classification: Benign. Last evaluated: 2018-06-14. Review status: criteria provided, single submitter. Criteria: GeneDx Variant Classification (06012015). Collection method: clinical testing. Allele origin: germline. Affected: yes.
Comment: This variant is considered likely benign or benign based on one or more of the following criteria: it is a conservative change, it occurs at a poorly conserved position in the protein, it is predicted to be benign by multiple in silico algorithms, and/or has population frequency not consistent with disease.

NM_020297.4(ABCC9):c.3473+293C>G

Gene: ABCC9 (ATP binding cassette subfamily C member 9; minus strand). Cytogenetic location: 12p12.1.
Variant type: single nucleotide variant.
Coding change: c.3473+293C>G on transcript NM_020297.4 (MANE Select); 293 bases into the intron after coding-DNA position 3473, C replaced by G.
Molecular consequence: intron variant.
Genome position (GRCh38, 1-based): chr12:21,842,021, G>C on the plus strand (C>G on the coding strand, the complement: ABCC9 is on the minus strand). VCF-style: chr12-21842021-G-C. GRCh37 (hg19) VCF-style: chr12-21994955-G-C.
Other names: c.2606+293C>G (NM_001377274.1); c.3473+293C>G (NM_005691.4, NM_001377273.1).
Identifiers: ClinVar variation 681193 (VCV000681193.1), dbSNP rs861202, ClinGen allele CA15733482.